The following is an entry in ClinVar:

NM_001098.3(ACO2):c.1304T>C (p.Ile435Thr)

Gene: ACO2 (aconitase 2; plus strand). Cytogenetic location: 22q13.2.
Variant type: single nucleotide variant.
Coding change: c.1304T>C on transcript NM_001098.3 (MANE Select); coding-DNA position 1304, T replaced by C.
Protein change: p.Ile435Thr; replaces isoleucine 435 with threonine.
Molecular consequence: missense variant.
Genome position (GRCh38, 1-based): chr22:41,523,212, T>C. VCF-style: chr22-41523212-T-C. GRCh37 (hg19) VCF-style: chr22-41919216-T-C.
Other names: short protein forms I435T.
Identifiers: ClinVar variation 2653232 (VCV002653232.24), dbSNP rs2518230226, ClinGen allele CA411725430.
Genomic context (GRCh38, chr22:41,523,212, plus strand): 5'-CCCATCAGACTCTCACCCACCCTTGACATTCTGTCTTCCTCTCTCCCTGGCAGGCACAGA[T>C]CTTGAGGGATCTGGGTGGCATTGTCCTGGCCAATGCTTGTGGCCCCTGCATTGGCCAGTG-3'
Protein context (NP_001089.1, residues 425-445): ATIERDGYAQ[Ile435Thr]LRDLGGIVLA

ClinVar aggregate classification (germline): Uncertain significance (1 of 4 stars; one submission).

Allele frequency attached by ClinVar (database versions not stated): gnomAD exomes below 0.00001.
gnomAD v4.1: 2 of 1,612,776 alleles (0.00012%); highest among the groups gnomAD compares: Middle Eastern, 0.017%; no homozygotes.

Submission:

CeGaT Center for Human Genetics Tuebingen
Classification: Uncertain significance. Last evaluated: 2023-02-01. Review status: criteria provided, single submitter. Criteria: CeGaT Center For Human Genetics Tuebingen Variant Classification Criteria Version 2. Collection method: clinical testing. Allele origin: germline. Affected: yes. Observed: 1 variant allele.
Comment: ACO2: PM2, BP4